The following is an entry in ClinVar:

ClinVar aggregate classification (germline): Uncertain significance. Review status: criteria provided, multiple submitters, no conflicts (2 of 4 stars). 2 submissions from 2 submitters: Uncertain significance (2). Last evaluated 2023-12-20.

Conditions:
Inborn genetic diseases. Identifiers: MedGen C0950123, MeSH D030342.

Allele frequency attached by ClinVar (database versions not stated): TOPMed below 0.00001; ExAC 0.00001; gnomAD 0.00001; gnomAD exomes 0.00001.
gnomAD v4.1: 12 of 1,613,908 alleles (0.00074%); highest among the groups gnomAD compares: Non-Finnish European, 0.001%; no homozygotes.

Submissions (2):

Ambry Genetics
Classification: Uncertain significance for Inborn genetic diseases. Last evaluated: 2023-12-20. Review status: criteria provided, single submitter. Criteria: Ambry Variant Classification Scheme 2023. Collection method: clinical testing. Allele origin: germline.

GeneDx
Classification: Uncertain significance. Last evaluated: 2022-06-29. Review status: criteria provided, single submitter. Criteria: GeneDx Variant Classification Process June 2021. Collection method: clinical testing. Allele origin: germline. Affected: yes.
Comment: Not observed at significant frequency in large population cohorts (gnomAD); In silico analysis supports that this missense variant has a deleterious effect on protein structure/function; Has not been previously published as pathogenic or benign to our knowledge

NM_020964.3(EPG5):c.1726G>T (p.Val576Phe)

Gene: EPG5 (ectopic P-granules 5 autophagy tethering factor; minus strand). Cytogenetic location: 18q21.1.
Variant type: single nucleotide variant.
Coding change: c.1726G>T on transcript NM_020964.3 (MANE Select); coding-DNA position 1726, G replaced by T.
Protein change: p.Val576Phe; replaces valine 576 with phenylalanine.
Molecular consequence: missense variant.
Genome position (GRCh38, 1-based): chr18:45,944,071, C>A on the plus strand (G>T on the coding strand, the complement: EPG5 is on the minus strand). VCF-style: chr18-45944071-C-A. GRCh37 (hg19) VCF-style: chr18-43524037-C-A.
Other names: c.1726G>T, p.Val576Phe (NM_001410858.1, NM_001410859.1); short protein forms V576F.
Identifiers: ClinVar variation 1809947 (VCV001809947.2), dbSNP rs776155927, ClinGen allele CA8949623.